The following is an entry in ClinVar:

NC_000006.11:g.(?_66204536)_(66205886_?)del

Gene: EYS (eyes shut homolog; minus strand). Cytogenetic location: 6q12.
Variant type: Deletion.
Identifiers: ClinVar variation 1459848 (VCV001459848.7).

ClinVar aggregate classification (germline): Pathogenic (1 of 4 stars; one submission).

Submission:

Labcorp Genetics (formerly Invitae), Labcorp
Classification: Pathogenic. Last evaluated: 2023-04-11. Review status: criteria provided, single submitter. Criteria: Invitae Variant Classification Sherloc (09022015). Collection method: clinical testing. Allele origin: germline.
Comment: For these reasons, this variant has been classified as Pathogenic. A similar copy number variant has been observed in individuals with retinitis pigmentosa (PMID: 21519034). This variant is a gross deletion of the genomic region encompassing exon(s) 3-4 of the EYS gene, which includes the initiator codon. This deletion extends beyond the assayed region for this gene and therefore may encompass additional genes. It is expected to result in an absent or disrupted protein product. Loss-of-function variants in EYS are known to be pathogenic (PMID: 18836446, 20333770).

Literature cited by the submitters: PubMed 21519034; PubMed 18836446; PubMed 20333770.